The following is an entry in ClinVar:

NM_000548.5(TSC2):c.4242dup (p.Lys1415Ter)

Gene: TSC2 (TSC complex subunit 2; plus strand). Cytogenetic location: 16p13.3.
Variant type: Duplication.
Coding change: c.4242dup on transcript NM_000548.5 (MANE Select); coding-DNA position 4242, one base duplicated (T; older notation c.4242dupT).
Protein change: p.Lys1415Ter; replaces lysine 1415 with a stop codon.
Molecular consequence: nonsense. On other transcripts: non-coding transcript variant (5).
Genome position (GRCh38, 1-based): chr16:2,084,464, T duplicated; the last of 2 consecutive T bases (chr16:2,084,463-2,084,464); duplicating either gives the same sequence. VCF-style (leftmost placement, unchanged base first): chr16-2084462-G-GT. GRCh37 (hg19) VCF-style: chr16-2134463-G-GT.
Other names: c.4041dup, p.Lys1348Ter (NM_001077183.3); c.4173dup, p.Lys1392Ter (NM_001114382.3); c.3933dup, p.Lys1312Ter (NM_001318827.2); c.3897dup, p.Lys1300Ter (NM_001318829.2); c.3510dup, p.Lys1171Ter (NM_001318831.2); c.4074dup, p.Lys1359Ter (NM_001318832.2); c.4029dup, p.Lys1344Ter (NM_001406673.1); c.4026dup, p.Lys1343Ter (NM_001406675.1); and 26 more; short protein forms K1148*, K1171*, K1300*, K1311*, K1342*, K1355*, K1372*, K1389*.
Identifiers: ClinVar variation 2857514 (VCV002857514.3), dbSNP rs2544270938, ClinGen allele CA2739265842.

ClinVar aggregate classification (germline): Pathogenic (1 of 4 stars; one submission).

Conditions:
Tuberous sclerosis 2 (TSC2). Identifiers: Orphanet 805, MedGen C1860707, MONDO:0013199, OMIM 613254.

Submission:

Labcorp Genetics (formerly Invitae), Labcorp
Classification: Pathogenic for Tuberous sclerosis 2. Last evaluated: 2023-04-19. Review status: criteria provided, single submitter. Criteria: Invitae Variant Classification Sherloc (09022015). Collection method: clinical testing. Allele origin: germline.
Comment: This sequence change creates a premature translational stop signal (p.Lys1415*) in the TSC2 gene. It is expected to result in an absent or disrupted protein product. Loss-of-function variants in TSC2 are known to be pathogenic (PMID: 10205261, 17304050). For these reasons, this variant has been classified as Pathogenic. This variant has not been reported in the literature in individuals affected with TSC2-related conditions. This variant is not present in population databases (gnomAD no frequency).

Literature cited by the submitters: PubMed 10205261; PubMed 17304050.